The following is an entry in ClinVar:

ClinVar aggregate classification (germline): Likely benign. Review status: criteria provided, multiple submitters, no conflicts (2 of 4 stars). 3 submissions from 3 submitters: Likely benign (3). Last evaluated 2023-03-01.

Allele frequency attached by ClinVar (database versions not stated): 1000 Genomes Project 0.00220; 1000 Genomes Project 30x 0.00250; ExAC 0.00561; gnomAD 0.00561 and 0.00565; TOPMed 0.00594; gnomAD exomes 0.00597 and 0.00761; ESP Exome Variant Server 0.00638.
gnomAD v4.1: 11,950 of 1,613,286 alleles (0.74%); highest among the groups gnomAD compares: Middle Eastern, 1.6%; 77 homozygotes.

Submissions (3):

CeGaT Center for Human Genetics Tuebingen
Classification: Likely benign. Last evaluated: 2023-03-01. Review status: criteria provided, single submitter. Criteria: CeGaT Center For Human Genetics Tuebingen Variant Classification Criteria Version 2. Collection method: clinical testing. Allele origin: germline. Affected: yes. Observed: 3 variant alleles.
Comment: NID2: BP4, BS2

Labcorp Genetics (formerly Invitae), Labcorp
Classification: Likely benign. Last evaluated: 2018-07-03. Review status: criteria provided, single submitter. Criteria: Invitae Variant Classification Sherloc (09022015). Collection method: clinical testing. Allele origin: germline.

Breakthrough Genomics
Classification: Likely benign. Review status: criteria provided, single submitter. Criteria: ACMG Guidelines, 2015. Collection method: not provided. Allele origin: germline. Inheritance: Unknown mechanism. Affected: yes.

NM_007361.4(NID2):c.2267A>G (p.Asp756Gly)

Gene: NID2 (nidogen 2; minus strand). Cytogenetic location: 14q22.1.
Variant type: single nucleotide variant.
Coding change: c.2267A>G on transcript NM_007361.4 (MANE Select); coding-DNA position 2267, A replaced by G.
Protein change: p.Asp756Gly; replaces aspartic acid 756 with glycine.
Molecular consequence: missense variant.
Genome position (GRCh38, 1-based): chr14:52,029,681, T>C on the plus strand (A>G on the coding strand, the complement: NID2 is on the minus strand). VCF-style: chr14-52029681-T-C. GRCh37 (hg19) VCF-style: chr14-52496399-T-C.
Other names: short protein forms D756G.
Identifiers: ClinVar variation 784483 (VCV000784483.28), dbSNP rs150908602, ClinGen allele CA7186700.
Genomic context (GRCh38, chr14:52,029,681, plus strand): 5'-CACCGTGCTGTTGTGTCACACATGTGGCTCCCATCATAGCAAGGATTCCCCGGAGTGGGG[T>C]CTGAATCCTCTGCATGAGTAGAGGGGAAATAAAAGCACAATCTGGCTATTGGTAAGCAAA-3'
Protein context (NP_031387.3, residues 746-766): NQIGPVKEDS[Asp756Gly]PTPGNPCYDG